The following is an entry in ClinVar:

ClinVar aggregate classification (germline): Uncertain significance. Review status: criteria provided, multiple submitters, no conflicts (2 of 4 stars). 2 submissions from 2 submitters: Uncertain significance (2). Last evaluated 2024-09-11.

Allele frequency attached by ClinVar (database versions not stated): gnomAD exomes below 0.00001.
gnomAD v4.1: 1 of 1,606,902 alleles (0.000062%); highest among the groups gnomAD compares: Non-Finnish European, 0.000085%; no homozygotes.

Submissions (2):

GeneDx
Classification: Uncertain significance. Last evaluated: 2024-09-11. Review status: criteria provided, single submitter. Criteria: GeneDx Variant Classification Process June 2021. Collection method: clinical testing. Allele origin: germline. Affected: yes.
Comment: Reported in a patient with aqueductal stenosis, choreoathetosis, and global developmental delay in published literature; however, no segregation information was provided (PMID: 30755392); Not observed at significant frequency in large population cohorts (gnomAD); In silico analysis supports that this missense variant has a deleterious effect on protein structure/function; This variant is associated with the following publications: (PMID: 30755392)

Center for Personalized Medicine, Children's Hospital Los Angeles
Classification: Uncertain significance. Last evaluated: 2016-03-15. Review status: criteria provided, single submitter. Criteria: ACMG Guidelines, 2015. Collection method: clinical testing. Allele origin: germline. Affected: yes.

NM_005027.4(PIK3R2):c.2093A>C (p.His698Pro)

Gene: PIK3R2 (phosphoinositide-3-kinase regulatory subunit 2; plus strand). Cytogenetic location: 19p13.11.
Variant type: single nucleotide variant.
Coding change: c.2093A>C on transcript NM_005027.4 (MANE Select); coding-DNA position 2093, A replaced by C.
Protein change: p.His698Pro; replaces histidine 698 with proline.
Molecular consequence: missense variant. On other transcripts: non-coding transcript variant (2).
Genome position (GRCh38, 1-based): chr19:18,169,200, A>C. VCF-style: chr19-18169200-A-C. GRCh37 (hg19) VCF-style: chr19-18280010-A-C.
Other names: c.2093A>C, p.His698Pro (LRG_1392t1); c.2093A>C (NM_005027.2); short protein forms H698P.
Identifiers: ClinVar variation 492997 (VCV000492997.5), dbSNP rs1555815294, ClinGen allele CA404817146.